The following is an entry in ClinVar:

NM_001365536.1(SCN9A):c.3175A>T (p.Ile1059Phe)

Genes: SCN1A-AS1 (SCN1A and SCN9A antisense RNA 1; plus strand), SCN9A (sodium voltage-gated channel alpha subunit 9; minus strand). Cytogenetic location: 2q24.3.
Variant type: single nucleotide variant.
Coding change: c.3175A>T on transcript NM_001365536.1 (MANE Select); coding-DNA position 3175, A replaced by T.
Protein change: p.Ile1059Phe; replaces isoleucine 1059 with phenylalanine.
Molecular consequence: missense variant.
Genome position (GRCh38, 1-based): chr2:166,272,575, T>A on the plus strand (A>T on the coding strand, the complement: SCN9A is on the minus strand). VCF-style: chr2-166272575-T-A. GRCh37 (hg19) VCF-style: chr2-167129085-T-A.
Other names: c.3142A>T, p.Ile1048Phe (NM_002977.4); short protein forms I1048F, I1059F.
Identifiers: ClinVar variation 4881918 (VCV004881918.2).

ClinVar aggregate classification (germline): Uncertain significance (1 of 4 stars; one submission).

Submission:

Dasa
Classification: Uncertain significance. Last evaluated: 2025-12-31. Review status: criteria provided, single submitter. Criteria: DASA Assertion Criteria. Collection method: clinical testing. Allele origin: germline.
Comment: NM_001365536.1(SCN9A):c.3175A>T (p.Ile1059Phe) is a missense variant that results in the substitution of isoleucine with phenylalanine. This variant is rare in population databases. Computational prediction algorithms are consistent with a benign effect. The currently available literature and clinical evidence are not sufficient to establish a definitive association between this variant and the reported condition. Therefore, this variant is classified as a variant of uncertain significance.